The following is an entry in ClinVar:

ClinVar aggregate classification (germline): Uncertain significance (1 of 4 stars; one submission).

Submission:

Labcorp Genetics (formerly Invitae), Labcorp
Classification: Uncertain significance. Last evaluated: 2024-05-28. Review status: criteria provided, single submitter. Criteria: Invitae Variant Classification Sherloc (09022015). Collection method: clinical testing. Allele origin: germline.
Comment: This sequence change affects codon 206 of the CETP mRNA. It is a 'silent' change, meaning that it does not change the encoded amino acid sequence of the CETP protein. This variant is not present in population databases (gnomAD no frequency). This variant has not been reported in the literature in individuals affected with CETP-related conditions. Algorithms developed to predict the effect of sequence changes on RNA splicing suggest that this variant may disrupt the consensus splice site. In summary, the available evidence is currently insufficient to determine the role of this variant in disease. Therefore, it has been classified as a Variant of Uncertain Significance.

NM_000078.3(CETP):c.618C>T (p.Val206=)

Genes: CETP (cholesteryl ester transfer protein; plus strand), LOC130059064 (ATAC-STARR-seq lymphoblastoid active region 10867; plus strand). Cytogenetic location: 16q13.
Variant type: single nucleotide variant.
Coding change: c.618C>T on transcript NM_000078.3 (MANE Select); coding-DNA position 618, C replaced by T.
Protein change: p.Val206=; no amino-acid change (valine 206 retained).
Molecular consequence: synonymous variant.
Genome position (GRCh38, 1-based): chr16:56,971,341, C>T. VCF-style: chr16-56971341-C-T. GRCh37 (hg19) VCF-style: chr16-57005253-C-T.
Other names: c.618C>T, p.Val206= (NM_001286085.2).
Identifiers: ClinVar variation 3647398 (VCV003647398.2).